The following is an entry in ClinVar:

NM_006231.4(POLE):c.5539A>C (p.Lys1847Gln)

Gene: POLE (DNA polymerase epsilon, catalytic subunit; minus strand). Cytogenetic location: 12q24.33.
Variant type: single nucleotide variant.
Coding change: c.5539A>C on transcript NM_006231.4 (MANE Select); coding-DNA position 5539, A replaced by C.
Protein change: p.Lys1847Gln; replaces lysine 1847 with glutamine.
Molecular consequence: missense variant.
Genome position (GRCh38, 1-based): chr12:132,639,138, T>G on the plus strand (A>C on the coding strand, the complement: POLE is on the minus strand). VCF-style: chr12-132639138-T-G. GRCh37 (hg19) VCF-style: chr12-133215724-T-G.
Other names: c.5539A>C (NM_006231.2); short protein forms K1847Q.
Identifiers: ClinVar variation 665666 (VCV000665666.10), dbSNP rs757533247, ClinGen allele CA6892499.

ClinVar aggregate classification (germline): Uncertain significance. Review status: criteria provided, multiple submitters, no conflicts (2 of 4 stars). 3 submissions from 3 submitters: Uncertain significance (3). Last evaluated 2024-08-23.

Conditions:
Hereditary cancer-predisposing syndrome. Also called: Neoplastic Syndromes, Hereditary; Hereditary Cancer Syndrome; Tumor predisposition; Hereditary neoplastic syndrome. Identifiers: Orphanet 140162, MedGen C0027672, MeSH D009386, MONDO:0015356.

Allele frequency attached by ClinVar (database versions not stated): gnomAD exomes below 0.00001; ExAC 0.00001.
gnomAD v4.1: 1 of 1,614,078 alleles (0.000062%); highest among the groups gnomAD compares: Non-Finnish European, 0.000085%; no homozygotes.

Submissions (3):

Blueprint Genetics
Classification: Uncertain significance. Last evaluated: 2024-08-23. Review status: criteria provided, single submitter. Criteria: ACMG Guidelines, 2015. Collection method: clinical testing. Allele origin: germline.

Ambry Genetics
Classification: Uncertain significance for Hereditary cancer-predisposing syndrome. Last evaluated: 2024-05-26. Review status: criteria provided, single submitter. Criteria: Ambry Variant Classification Scheme 2023. Collection method: clinical testing. Allele origin: germline.
Comment: The p.K1847Q variant (also known as c.5539A>C), located in coding exon 40 of the POLE gene, results from an A to C substitution at nucleotide position 5539. The lysine at codon 1847 is replaced by glutamine, an amino acid with similar properties. This amino acid position is conserved. In addition, the in silico prediction for this alteration is inconclusive. Based on the available evidence, the clinical significance of this variant remains unclear.

Labcorp Genetics (formerly Invitae), Labcorp
Classification: Uncertain significance. Last evaluated: 2018-09-20. Review status: criteria provided, single submitter. Criteria: Invitae Variant Classification Sherloc (09022015). Collection method: clinical testing. Allele origin: germline.
Comment: In summary, the available evidence is currently insufficient to determine the role of this variant in disease. Therefore, it has been classified as a Variant of Uncertain Significance. Algorithms developed to predict the effect of missense changes on protein structure and function (SIFT, PolyPhen-2, Align-GVGD) all suggest that this variant is likely to be disruptive, but these predictions have not been confirmed by published functional studies and their clinical significance is uncertain. This variant has not been reported in the literature in individuals with POLE-related disease. This variant is present in population databases (rs757533247, ExAC 0.002%). This sequence change replaces lysine with glutamine at codon 1847 of the POLE protein (p.Lys1847Gln). The lysine residue is highly conserved and there is a small physicochemical difference between lysine and glutamine.